The following is an entry in ClinVar:

ClinVar aggregate classification (germline): Uncertain significance (1 of 4 stars; one submission).

Conditions:
Christianson syndrome (MRXSCH). Also called: X-linked mental retardation, syndromic, Christianson type; INTELLECTUAL DEVELOPMENTAL DISORDER, X-LINKED, SYNDROMIC, CHRISTIANSON TYPE; SLC9A6-Related Syndromic Mental Retardation. Identifiers: Orphanet 85278, MedGen C2678194, MONDO:0010278, OMIM 300243.

gnomAD v4.1: 2 of 1,210,740 alleles (0.00017%); highest among the groups gnomAD compares: East Asian, 0.0059%; no homozygotes.

Submission:

Juno Genomics, Hangzhou Juno Genomics, Inc
Classification: Uncertain significance for Christianson syndrome. Review status: criteria provided, single submitter. Criteria: ACMG Guidelines, 2015. Collection method: clinical testing. Allele origin: germline.
Comment: Absent from controls (or at extremely low frequency if recessive) in Genome Aggregation Database.;Multiple lines of computational evidence support a deleterious effect on the gene or gene product.

NM_001379110.1(SLC9A6):c.1686C>T (p.His562=)

Gene: SLC9A6 (solute carrier family 9 member A6; plus strand). Cytogenetic location: Xq26.3.
Variant type: single nucleotide variant.
Coding change: c.1686C>T on transcript NM_001379110.1 (MANE Select); coding-DNA position 1686, C replaced by T.
Protein change: p.His562=; no amino-acid change (histidine 562 retained).
Molecular consequence: synonymous variant.
Genome position (GRCh38, 1-based): chrX:136,040,100, C>T. VCF-style: chrX-136040100-C-T. GRCh37 (hg19) VCF-style: chrX-135122259-C-T.
Other names: c.1752C>T, p.His584= (NM_001042537.2); c.1596C>T, p.His532= (NM_001177651.2, NM_001400909.1, NM_001400910.1 and 2 more transcripts); c.1500C>T, p.His500= (NM_001330652.2, NM_001400913.1); c.1842C>T, p.His614= (NM_001438742.1); c.1656C>T, p.His552= (NM_006359.3).
Identifiers: ClinVar variation 5007504 (VCV005007504.2).
Genomic context (GRCh38, chrX:136,040,100, plus strand): 5'-AAAGAAAGGACCACAGCTCTTCCTTAACCACCGCAGCTATCTGAAGCCTCTGCTGACCCA[C>T]AGCGGGCCTCCGCTGACAACAACACTCCCTGCCTGCTGTGGACCCATCGCCAGGTGCCTC-3'
Protein context (NP_001366039.1, residues 552-572): DHNYLKPLLT[His562=]SGPPLTTTLP